The following is an entry in ClinVar:

ClinVar aggregate classification (germline): Uncertain significance. Review status: criteria provided, multiple submitters, no conflicts (2 of 4 stars). 2 submissions from 2 submitters: Uncertain significance (2). Last evaluated 2026-05-07.

Conditions:
Cardiovascular phenotype. Identifiers: MedGen CN230736.
Cardiomyopathy (CMYO). Also called: Cardiomyopathies. Identifiers: Orphanet 167848, MedGen C0878544, MONDO:0004994, HP:0001638. Inheritance: Various modes of inheritance.

Submissions (2):

Ambry Genetics
Classification: Uncertain significance for Cardiovascular phenotype. Last evaluated: 2026-05-07. Review status: criteria provided, single submitter. Criteria: Ambry Variant Classification Scheme 2023. Collection method: clinical testing. Allele origin: germline.
Comment: The c.2805_2872dup68 variant, located in coding exon 15 of the DSG2 gene, results from a duplication of AACAGAAACTTCCTATGTCACAGGGTCCACTATGCCACCAACCACTGTGATCCTGGGTCCTAGCCAGC at nucleotide position 2805, causing a translational frameshift with a predicted alternate stop codon (p.P958Qfs*17). This variant occurs at the 3' terminus of the gene, is not expected to trigger nonsense-mediated mRNAdecay, and impacts the last 14% of the protein. The exact functional effect of this variant is unknown. Based on the available evidence, the clinical significance of this variant remains unclear.

Color Diagnostics, LLC DBA Color Health
Classification: Uncertain significance for Cardiomyopathy. Last evaluated: 2025-09-23. Review status: criteria provided, single submitter. Criteria: ACMG Guidelines, 2015. Collection method: clinical testing. Allele origin: germline.
Comment: This variant inserts 68 nucleotides in exon 15 of the DSG2 gene, creating a frameshift and premature translation stop signal in the last exon. The variant transcript is expected to be expressed as a truncated protein. To our knowledge, this variant has not been reported in individuals affected with DSG2-related disorders in the literature. This variant has not been identified in the general population by the Genome Aggregation Database (gnomAD). The available evidence is insufficient to determine the role of this variant in disease conclusively. Therefore, this variant is classified as a Variant of Uncertain Significance.

NM_001943.5(DSG2):c.2805_2872dup (p.Pro958delinsGlnGlnLysLeuProMetSerGlnGlyProLeuCysHisGlnProLeuTer)

Genes: DSG2 (desmoglein 2; plus strand), DSG2-AS1 (DSG2 antisense RNA 1; minus strand). Cytogenetic location: 18q12.1.
Variant type: Duplication.
Coding change: c.2805_2872dup on transcript NM_001943.5 (MANE Select); coding-DNA positions 2805 to 2872, 68 bases duplicated.
Protein change: p.Pro958delinsGlnGlnLysLeuProMetSerGlnGlyProLeuCysHisGlnProLeuTer.
Molecular consequence: nonsense.
Genome position (GRCh38, 1-based): chr18:31,546,191-31,546,258, 68 bases duplicated. GRCh37 (hg19): chr18:29,126,154-29,126,221.
Other names: c.2805_2872dupAACAGAAACTTCCTATGTCACAGGGTCCACTATGCCACCAACCACTGTGATCCTGGGTCCTAGCCAGC (NM_001943.3).
Identifiers: ClinVar variation 4756447 (VCV004756447.2).